The following is an entry in ClinVar:

ClinVar aggregate classification (germline): Conflicting classifications of pathogenicity. Review status: criteria provided, conflicting classifications (1 of 4 stars). 3 submissions from 3 submitters: Uncertain significance (2); Likely benign (1). Last evaluated 2024-09-16.

Conditions:
Dilated cardiomyopathy 1G (CMD1G). Identifiers: Orphanet 154, MedGen C1858763, MONDO:0011400, OMIM 604145.
Autosomal recessive limb-girdle muscular dystrophy type 2J (LGMDR10). Also called: MUSCULAR DYSTROPHY, LIMB-GIRDLE, AUTOSOMAL RECESSIVE 10; Limb-girdle muscular dystrophy, type 2J. Identifiers: Orphanet 140922, MedGen C1837342, MONDO:0012127, OMIM 608807.

Allele frequency attached by ClinVar (database versions not stated): ExAC 0.00001; gnomAD 0.00001; TOPMed 0.00001.
gnomAD v4.1: 47 of 1,613,812 alleles (0.0029%); highest among the groups gnomAD compares: Non-Finnish European, 0.0038%; no homozygotes.

Submissions (3):

Labcorp Genetics (formerly Invitae), Labcorp
Classification: Uncertain significance for Dilated cardiomyopathy 1G; Autosomal recessive limb-girdle muscular dystrophy type 2J. Last evaluated: 2024-09-16. Review status: criteria provided, single submitter. Criteria: Invitae Variant Classification Sherloc (09022015). Collection method: clinical testing. Allele origin: germline.
Comment: This sequence change replaces valine, which is neutral and non-polar, with isoleucine, which is neutral and non-polar, at codon 35404 of the TTN protein (p.Val35404Ile). This variant is present in population databases (rs752846394, gnomAD 0.003%). This variant has not been reported in the literature in individuals affected with TTN-related conditions. ClinVar contains an entry for this variant (Variation ID: 1035169). Experimental studies and prediction algorithms are not available or were not evaluated, and the functional significance of this variant is currently unknown. This variant is located in the M band of TTN (PMID: 25589632). Non-truncating variants in this region may be relevant for neuromuscular disorders, but have not been definitively shown to cause cardiomyopathy (PMID: 23975875). In summary, the available evidence is currently insufficient to determine the role of this variant in disease. Therefore, it has been classified as a Variant of Uncertain Significance.

Blueprint Genetics
Classification: Likely benign. Last evaluated: 2021-08-25. Review status: criteria provided, single submitter. Criteria: ACMG Guidelines, 2015. Collection method: clinical testing. Allele origin: germline.

Revvity Omics, Revvity
Classification: Uncertain significance. Last evaluated: 2019-08-19. Review status: criteria provided, single submitter. Criteria: ACMG Guidelines, 2015. Collection method: clinical testing. Allele origin: germline.

Literature cited by the submitters: PubMed 25589632 (cited by Labcorp Genetics (formerly Invitae), Labcorp); PubMed 23975875 (cited by Labcorp Genetics (formerly Invitae), Labcorp).

NM_001267550.2(TTN):c.106210G>A (p.Val35404Ile)

Genes: TTN (titin; minus strand), TTN-AS1 (TTN antisense RNA 1; plus strand). Cytogenetic location: 2q31.2.
Variant type: single nucleotide variant.
Coding change: c.106210G>A on transcript NM_001267550.2 (MANE Select); coding-DNA position 106210, G replaced by A.
Protein change: p.Val35404Ile; replaces valine 35404 with isoleucine.
Molecular consequence: missense variant.
Genome position (GRCh38, 1-based): chr2:178,530,405, C>T on the plus strand (G>A on the coding strand, the complement: TTN is on the minus strand). VCF-style: chr2-178530405-C-T. GRCh37 (hg19) VCF-style: chr2-179395132-C-T.
Other names: c.101287G>A, p.Val33763Ile (NM_001256850.1); c.79015G>A, p.Val26339Ile (NM_003319.4); c.98506G>A, p.Val32836Ile (NM_133378.4); c.79390G>A, p.Val26464Ile (NM_133432.3); c.79591G>A, p.Val26531Ile (NM_133437.4); short protein forms V26531I, V32836I, V26464I, V35404I, V33763I, V26339I.
Identifiers: ClinVar variation 1035169 (VCV001035169.16), dbSNP rs752846394, ClinGen allele CA1985146.